The following is an entry in ClinVar:

ClinVar aggregate classification (germline): Uncertain significance (1 of 4 stars; one submission).

Conditions:
Familial thoracic aortic aneurysm and aortic dissection (TAAD). Also called: Thoracic aortic aneurysms and dissections. Identifiers: Orphanet 91387, MedGen C4707243, MONDO:0019625.

Submission:

Ambry Genetics
Classification: Uncertain significance for Familial thoracic aortic aneurysm and aortic dissection. Last evaluated: 2022-09-28. Review status: criteria provided, single submitter. Criteria: Ambry Variant Classification Scheme 2023. Collection method: clinical testing. Allele origin: germline.
Comment: The p.K973E variant (also known as c.2917A>G), located in coding exon 22 of the MYH11 gene, results from an A to G substitution at nucleotide position 2917. The lysine at codon 973 is replaced by glutamic acid, an amino acid with similar properties. This amino acid position is conserved. In addition, this alteration is predicted to be deleterious by in silico analysis. Since supporting evidence is limited at this time, the clinical significance of this alteration remains unclear.

NM_002474.3(MYH11):c.2917A>G (p.Lys973Glu)

Gene: MYH11 (myosin heavy chain 11; minus strand). Cytogenetic location: 16p13.11.
Variant type: single nucleotide variant.
Coding change: c.2917A>G on transcript NM_002474.3 (MANE Select); coding-DNA position 2917, A replaced by G.
Protein change: p.Lys973Glu; replaces lysine 973 with glutamic acid.
Molecular consequence: missense variant.
Genome position (GRCh38, 1-based): chr16:15,740,131, T>C on the plus strand (A>G on the coding strand, the complement: MYH11 is on the minus strand). VCF-style: chr16-15740131-T-C. GRCh37 (hg19) VCF-style: chr16-15833988-T-C.
Other names: c.2938A>G, p.Lys980Glu (NM_001040113.2, NM_001040114.2); c.2917A>G, p.Lys973Glu (NM_022844.3); short protein forms K980E, K973E.
Identifiers: ClinVar variation 1797636 (VCV001797636.2), dbSNP rs2506198167, ClinGen allele CA394864748.